The following is an entry in ClinVar:

ClinVar aggregate classification (germline): Uncertain significance (1 of 4 stars; one submission).

Conditions:
DiGeorge syndrome. Also called: THIRD AND FOURTH PHARYNGEAL POUCH SYNDROME; Catch22. Identifiers: Orphanet 567, MedGen C0012236, MONDO:0008564, OMIM 188400.

gnomAD v4.1: 2 of 1,342,098 alleles (0.00015%); highest among the groups gnomAD compares: Non-Finnish European, 0.00019%; no homozygotes.

Submission:

Labcorp Genetics (formerly Invitae), Labcorp
Classification: Uncertain significance for DiGeorge syndrome. Last evaluated: 2023-09-12. Review status: criteria provided, single submitter. Criteria: Invitae Variant Classification Sherloc (09022015). Collection method: clinical testing. Allele origin: germline.
Comment: In summary, the available evidence is currently insufficient to determine the role of this variant in disease. Therefore, it has been classified as a Variant of Uncertain Significance. An algorithm developed to predict the effect of missense changes on protein structure and function (PolyPhen-2) suggests that this variant is likely to be disruptive. This variant has not been reported in the literature in individuals affected with TBX1-related conditions. This variant is not present in population databases (gnomAD no frequency). This sequence change replaces arginine, which is basic and polar, with tryptophan, which is neutral and slightly polar, at codon 342 of the TBX1 protein (p.Arg342Trp).

NM_001379200.1(TBX1):c.1051C>T (p.Arg351Trp)

Gene: TBX1 (T-box transcription factor 1; plus strand). Cytogenetic location: 22q11.21.
Variant type: single nucleotide variant.
Coding change: c.1051C>T on transcript NM_001379200.1 (MANE Select); coding-DNA position 1051, C replaced by T.
Protein change: p.Arg351Trp; replaces arginine 351 with tryptophan.
Molecular consequence: missense variant. On other transcripts: intron variant (2).
Genome position (GRCh38, 1-based): chr22:19,766,403, C>T. VCF-style: chr22-19766403-C-T. GRCh37 (hg19) VCF-style: chr22-19753926-C-T.
Other names: c.1024C>T, p.Arg342Trp (NM_080647.1); c.1009+401C>T (NM_005992.1, NM_080646.2); short protein forms R342W, R351W.
Identifiers: ClinVar variation 2912184 (VCV002912184.3), dbSNP rs2517857243, ClinGen allele CA410683989.
Genomic context (GRCh38, chr22:19,766,403, plus strand): 5'-TCGGCGGCCCCGGCCGGCCGCGCTCACTCCTCGGCCCTCTCCGCAGACGCGGCTGAGGCC[C>T]GGCGAGAATTCCAGCGCGACGCGGGCGGGCCAGCAGTGCTCGGGGACCCGGCGCATCCTC-3'
Protein context (NP_001366129.1, residues 341-361): SGTEKDAAEA[Arg351Trp]REFQRDAGGP